The following is an entry in ClinVar:

NM_000814.6(GABRB3):c.403A>G (p.Thr135Ala)

Gene: GABRB3 (gamma-aminobutyric acid type A receptor subunit beta3; minus strand). Cytogenetic location: 15q12.
Variant type: single nucleotide variant.
Coding change: c.403A>G on transcript NM_000814.6 (MANE Select); coding-DNA position 403, A replaced by G.
Protein change: p.Thr135Ala; replaces threonine 135 with alanine.
Molecular consequence: missense variant. On other transcripts: non-coding transcript variant (1).
Genome position (GRCh38, 1-based): chr15:26,621,372, T>C on the plus strand (A>G on the coding strand, the complement: GABRB3 is on the minus strand). VCF-style: chr15-26621372-T-C. GRCh37 (hg19) VCF-style: chr15-26866519-T-C.
Other names: c.148A>G, p.Thr50Ala (NM_001191320.2, NM_001278631.2); c.190A>G, p.Thr64Ala (NM_001191321.3); c.403A>G, p.Thr135Ala (NM_021912.5); short protein forms T64A, T135A, T50A.
Identifiers: ClinVar variation 4789622 (VCV004789622.1).

ClinVar aggregate classification (germline): Uncertain significance (1 of 4 stars; one submission).

Conditions:
Epilepsy, childhood absence, susceptibility to, 1. Also called: Epilepsy, childhood absence 1. Identifiers: Orphanet 64280, MedGen C1838604, MONDO:0020759, OMIM 600131.
Epilepsy, childhood absence, susceptibility to, 5. Identifiers: Orphanet 64280, MedGen C2677087, MONDO:0012843, OMIM 612269.

Submission:

Labcorp Genetics (formerly Invitae), Labcorp
Classification: Uncertain significance for Epilepsy, childhood absence, susceptibility to, 5; Epilepsy, childhood absence, susceptibility to, 1. Last evaluated: 2026-01-28. Review status: criteria provided, single submitter. Criteria: Invitae Variant Classification Sherloc (09022015). Collection method: clinical testing. Allele origin: germline.
Comment: This sequence change replaces threonine, which is neutral and polar, with alanine, which is neutral and non-polar, at codon 135 of the GABRB3 protein (p.Thr135Ala). This variant is not present in population databases (gnomAD no frequency). This variant has not been reported in the literature in individuals affected with GABRB3-related conditions. Invitae Evidence Modeling of protein sequence and biophysical properties (such as structural, functional, and spatial information, amino acid conservation, physicochemical variation, residue mobility, and thermodynamic stability) has been performed for this missense variant. However, the output from this modeling did not meet the statistical confidence thresholds required to predict the impact of this variant on GABRB3 protein function. In summary, the available evidence is currently insufficient to determine the role of this variant in disease. Therefore, it has been classified as a Variant of Uncertain Significance.